The following is an entry in ClinVar:

ClinVar aggregate classification (germline): Uncertain significance (1 of 4 stars; one submission).

gnomAD v4.1: 3 of 1,612,014 alleles (0.00019%); highest among the groups gnomAD compares: Non-Finnish European, 0.00025%; no homozygotes.

Submission:

Labcorp Genetics (formerly Invitae), Labcorp
Classification: Uncertain significance. Last evaluated: 2024-04-16. Review status: criteria provided, single submitter. Criteria: Invitae Variant Classification Sherloc (09022015). Collection method: clinical testing. Allele origin: germline.
Comment: This sequence change replaces histidine, which is basic and polar, with arginine, which is basic and polar, at codon 506 of the CSF1R protein (p.His506Arg). This variant is not present in population databases (gnomAD no frequency). This variant has not been reported in the literature in individuals affected with CSF1R-related conditions. Advanced modeling of protein sequence and biophysical properties (such as structural, functional, and spatial information, amino acid conservation, physicochemical variation, residue mobility, and thermodynamic stability) performed at Invitae indicates that this missense variant is not expected to disrupt CSF1R protein function with a negative predictive value of 95%. In summary, the available evidence is currently insufficient to determine the role of this variant in disease. Therefore, it has been classified as a Variant of Uncertain Significance.

NM_001288705.3(CSF1R):c.1517A>G (p.His506Arg)

Gene: CSF1R (colony stimulating factor 1 receptor; minus strand). Cytogenetic location: 5q32.
Variant type: single nucleotide variant.
Coding change: c.1517A>G on transcript NM_001288705.3 (MANE Select); coding-DNA position 1517, A replaced by G.
Protein change: p.His506Arg; replaces histidine 506 with arginine.
Molecular consequence: missense variant. On other transcripts: non-coding transcript variant (2).
Genome position (GRCh38, 1-based): chr5:150,068,324, T>C on the plus strand (A>G on the coding strand, the complement: CSF1R is on the minus strand). VCF-style: chr5-150068324-T-C. GRCh37 (hg19) VCF-style: chr5-149447887-T-C.
Other names: c.1517A>G, p.His506Arg (NM_001349736.2, NM_001375320.1, NM_005211.4); c.1073A>G, p.His358Arg (NM_001375321.1); short protein forms H358R, H506R.
Identifiers: ClinVar variation 3683667 (VCV003683667.2).
Genomic context (GRCh38, chr5:150,068,324, plus strand): 5'-ATGATGGACATGCAGGCGACCACCACTGGTGTGAAGAGGAACTCATCCGGGGGATGCGTG[T>C]GGGCTCCTGGAAGGCATGAAGCAAAGCAGTGAGCAGGCAGGGGTGCCTCCGAGCCCCCTG-3'
Protein context (NP_001275634.1, residues 496-516): WAFIPISAGA[His506Arg]THPPDEFLFT